The following is an entry in ClinVar:

NM_001609.4(ACADSB):c.275C>G (p.Ser92Ter)

Gene: ACADSB (acyl-CoA dehydrogenase short/branched chain; plus strand). Cytogenetic location: 10q26.13.
Variant type: single nucleotide variant.
Coding change: c.275C>G on transcript NM_001609.4 (MANE Select); coding-DNA position 275, C replaced by G.
Protein change: p.Ser92Ter; replaces serine 92 with a stop codon.
Molecular consequence: nonsense. On other transcripts: intron variant (1).
Genome position (GRCh38, 1-based): chr10:123,037,819, C>G. VCF-style: chr10-123037819-C-G. GRCh37 (hg19) VCF-style: chr10-124797335-C-G.
Other names: c.-3-2647C>G (NM_001330174.3); short protein forms S92*.
Identifiers: ClinVar variation 2153596 (VCV002153596.8), dbSNP rs749878139, ClinGen allele CA5730668.

ClinVar aggregate classification (germline): Pathogenic. Review status: criteria provided, multiple submitters, no conflicts (2 of 4 stars). 3 submissions from 3 submitters: Pathogenic (3). Last evaluated 2025-06-10.

Conditions:
Deficiency of 2-methylbutyryl-CoA dehydrogenase (ACADSB). Also called: 2-methylbutyryl-CoA dehydrogenase deficiency; SBCAD deficiency; 2-methylbutyric aciduria; Short branched-chain acyl-CoA dehydrogenase deficiency; 2-methylbutyrylglycinuria. Identifiers: Orphanet 79157, MedGen C1864912, MONDO:0012392, OMIM 610006, HP:0020147.

Allele frequency attached by ClinVar (database versions not stated): gnomAD 0.00003; TOPMed 0.00007; ExAC 0.00009.
gnomAD v4.1: 28 of 1,607,250 alleles (0.0017%); highest among the groups gnomAD compares: East Asian, 0.06%; no homozygotes.

Submissions (3):

Labcorp Genetics (formerly Invitae), Labcorp
Classification: Pathogenic for Deficiency of 2-methylbutyryl-CoA dehydrogenase. Last evaluated: 2025-06-10. Review status: criteria provided, single submitter. Criteria: Invitae Variant Classification Sherloc (09022015). Collection method: clinical testing. Allele origin: germline.
Comment: This sequence change creates a premature translational stop signal (p.Ser92*) in the ACADSB gene. It is expected to result in an absent or disrupted protein product. Loss-of-function variants in ACADSB are known to be pathogenic (PMID: 20547083, 26284228). This variant is present in population databases (rs749878139, gnomAD 0.2%). This premature translational stop signal has been observed in individual(s) with short/branched chain acyl-CoA dehydrogenase deficiency (SBCADD) (PMID: 31555323). ClinVar contains an entry for this variant (Variation ID: 2153596). For these reasons, this variant has been classified as Pathogenic.

Fulgent Genetics
Classification: Pathogenic for Deficiency of 2-methylbutyryl-CoA dehydrogenase. Last evaluated: 2024-03-19. Review status: criteria provided, single submitter. Criteria: ACMG Guidelines, 2015. Collection method: clinical testing. Allele origin: germline.

Juno Genomics, Hangzhou Juno Genomics, Inc
Classification: Pathogenic for Deficiency of 2-methylbutyryl-CoA dehydrogenase. Review status: criteria provided, single submitter. Criteria: ACMG Guidelines, 2015. Collection method: clinical testing. Allele origin: germline.
Comment: Absent from controls (or at extremely low frequency if recessive) in Genome Aggregation Database.;Null variant in a gene where loss of function (LOF) is a known mechanism of disease.;For recessive disorders, detected in trans with a pathogenic variant.;Patient's phenotype or family history is highly specific for a disease with a single genetic etiology.

Literature cited by the submitters: PubMed 20547083 (cited by Labcorp Genetics (formerly Invitae), Labcorp); PubMed 26284228 (cited by Labcorp Genetics (formerly Invitae), Labcorp); PubMed 31555323 (cited by Labcorp Genetics (formerly Invitae), Labcorp).